The following is an entry in ClinVar:

NM_015506.3(MMACHC):c.566G>T (p.Arg189Leu)

Gene: MMACHC (metabolism of cobalamin associated C; plus strand). Cytogenetic location: 1p34.1.
Variant type: single nucleotide variant.
Coding change: c.566G>T on transcript NM_015506.3 (MANE Select); coding-DNA position 566, G replaced by T.
Protein change: p.Arg189Leu; replaces arginine 189 with leucine.
Molecular consequence: missense variant.
Genome position (GRCh38, 1-based): chr1:45,508,932, G>T. VCF-style: chr1-45508932-G-T. GRCh37 (hg19) VCF-style: chr1-45974604-G-T.
Other names: c.395G>T, p.Arg132Leu (NM_001330540.2); short protein forms R189L, R132L.
Identifiers: ClinVar variation 2144244 (VCV002144244.4), dbSNP rs761221416, ClinGen allele CA340133480.

ClinVar aggregate classification (germline): Likely pathogenic (1 of 4 stars; one submission).

Conditions:
Cobalamin C disease. Also called: Cobalamin-C methylmalonic acidemia and homocystinuria; Methylmalonic acidemia and homocystinuria cblC type; Methylmalonic aciduria and homocystinuria, Vitamin B12-responsive; Vitamin B12 metabolic defect with combined deficiency of methylmalonyl-CoA mutase and homocysteine:methyltetrahydrofolate methyltransferase; methylmalonic aciduria and homocystinuria type cblC; Methylmalonic aciduria with homocystinuria cblC type. Identifiers: Orphanet 26, Orphanet 79282, MedGen C1848561, MONDO:0010184, OMIM 277400.

gnomAD v4.1: 1 of 1,614,168 alleles (0.000062%); highest among the groups gnomAD compares: South Asian, 0.0011%; no homozygotes.

Submission:

Labcorp Genetics (formerly Invitae), Labcorp
Classification: Likely pathogenic for Cobalamin C disease. Last evaluated: 2023-10-23. Review status: criteria provided, single submitter. Criteria: Invitae Variant Classification Sherloc (09022015). Collection method: clinical testing. Allele origin: germline.
Comment: This sequence change replaces arginine, which is basic and polar, with leucine, which is neutral and non-polar, at codon 189 of the MMACHC protein (p.Arg189Leu). This variant is not present in population databases (gnomAD no frequency). This variant has not been reported in the literature in individuals affected with MMACHC-related conditions. ClinVar contains an entry for this variant (Variation ID: 2144244). Advanced modeling of protein sequence and biophysical properties (such as structural, functional, and spatial information, amino acid conservation, physicochemical variation, residue mobility, and thermodynamic stability) has been performed at Invitae for this missense variant, however the output from this modeling did not meet the statistical confidence thresholds required to predict the impact of this variant on MMACHC protein function. This variant disrupts the p.Arg189 amino acid residue in MMACHC. Other variant(s) that disrupt this residue have been determined to be pathogenic (PMID: 16311595, 18164228, 18245139, 19760748, 24599607, 29294253). This suggests that this residue is clinically significant, and that variants that disrupt this residue are likely to be disease-causing. In summary, the currently available evidence indicates that the variant is pathogenic, but additional data are needed to prove that conclusively. Therefore, this variant has been classified as Likely Pathogenic.

Literature cited by the submitters: PubMed 16311595; PubMed 18164228; PubMed 18245139; PubMed 19760748; PubMed 24599607; PubMed 29294253.